The following is an entry in ClinVar:

NM_032217.5(ANKRD17):c.7300C>T (p.Arg2434Cys)

Gene: ANKRD17 (ankyrin repeat domain 17; minus strand). Cytogenetic location: 4q13.3.
Variant type: single nucleotide variant.
Coding change: c.7300C>T on transcript NM_032217.5 (MANE Select); coding-DNA position 7300, C replaced by T.
Protein change: p.Arg2434Cys; replaces arginine 2434 with cysteine.
Molecular consequence: missense variant.
Genome position (GRCh38, 1-based): chr4:73,078,750, G>A on the plus strand (C>T on the coding strand, the complement: ANKRD17 is on the minus strand). VCF-style: chr4-73078750-G-A. GRCh37 (hg19) VCF-style: chr4-73944467-G-A.
Other names: c.6961C>T, p.Arg2321Cys (NM_001286771.3); c.7297C>T, p.Arg2433Cys (NM_015574.2); c.6547C>T, p.Arg2183Cys (NM_198889.3); short protein forms R2183C, R2321C, R2433C, R2434C.
Identifiers: ClinVar variation 4279774 (VCV004279774.1).

ClinVar aggregate classification (germline): Uncertain significance (1 of 4 stars; one submission).

Conditions:
Chopra-Amiel-Gordon syndrome (CAGS). Also called: ANKRD17-Related Neurodevelopmental Syndrome. Identifiers: MedGen C5561975, MONDO:0859186, OMIM 619504.

gnomAD v4.1: 2 of 1,613,992 alleles (0.00012%); highest among the groups gnomAD compares: Admixed American, 0.0017%; no homozygotes.

Submission:

Clinical Genomics Laboratory, Washington University in St. Louis
Classification: Uncertain significance for Chopra-Amiel-Gordon syndrome. Last evaluated: 2025-06-15. Review status: criteria provided, single submitter. Criteria: ACMG Guidelines, 2015. Collection method: clinical testing. Allele origin: germline.
Comment: The ANKRD17 c.7300C>T (p.Arg2434Cys) variant, to our knowledge, has not been reported in the medical literature. This variant is only observed in 2/251,464 alleles in the general population (gnomAD v2.1.1), indicating it is not a common variant. Computational predictors are uncertain as to the impact of this variant on ANKRD17 function. Due to limited information, and based on ACMG/AMP guidelines for variant interpretation (Richards S et al., PMID: 25741868), the clinical significance of this variant is uncertain at this time.